The following is an entry in ClinVar:

ClinVar aggregate classification (germline): Pathogenic/Likely pathogenic. Review status: criteria provided, multiple submitters, no conflicts (2 of 4 stars). 3 submissions from 3 submitters: Pathogenic (1); Likely pathogenic (2). Last evaluated 2024-03-21.

Conditions:
Biotin-responsive basal ganglia disease (BTBGD). Also called: Thiamine metabolism dysfunction syndrome 2 (biotin- or thiamine-responsive encephalopathy type 2); thiamine-responsive encephalopathy; Thiamine metabolism dysfunction syndrome type 2; THIAMINE METABOLISM DYSFUNCTION SYNDROME 2 (BIOTIN- AND THIAMINE-RESPONSIVE TYPE); Thiamine Transporter-2 Deficiency. Identifiers: Orphanet 199348, Orphanet 65284, MedGen C1843807, MONDO:0011841, OMIM 607483.
SLC19A3-related disorder. Also called: SLC19A3-related condition.

Submissions (3):

Fulgent Genetics
Classification: Likely pathogenic for Biotin-responsive basal ganglia disease. Last evaluated: 2024-03-21. Review status: criteria provided, single submitter. Criteria: ACMG Guidelines, 2015. Collection method: clinical testing. Allele origin: germline.

Blueprint Genetics
Classification: Likely pathogenic for SLC19A3-related disorders. Last evaluated: 2023-12-19. Review status: criteria provided, single submitter. Criteria: ACMG Guidelines, 2015. Collection method: clinical testing. Allele origin: germline. Affected: yes. Observed: 2 variant alleles.

Labcorp Genetics (formerly Invitae), Labcorp
Classification: Pathogenic for Biotin-responsive basal ganglia disease. Last evaluated: 2022-09-02. Review status: criteria provided, single submitter. Criteria: Invitae Variant Classification Sherloc (09022015). Collection method: clinical testing. Allele origin: germline.
Comment: For these reasons, this variant has been classified as Pathogenic. This variant has not been reported in the literature in individuals affected with SLC19A3-related conditions. This variant is not present in population databases (gnomAD no frequency). This sequence change creates a premature translational stop signal (p.Lys208Serfs*5) in the SLC19A3 gene. It is expected to result in an absent or disrupted protein product. Loss-of-function variants in SLC19A3 are known to be pathogenic (PMID: 23423671, 23482991).

Literature cited by the submitters: PubMed 23423671 (cited by Labcorp Genetics (formerly Invitae), Labcorp); PubMed 23482991 (cited by Labcorp Genetics (formerly Invitae), Labcorp).

NM_025243.4(SLC19A3):c.623_626del (p.Lys208fs)

Gene: SLC19A3 (solute carrier family 19 member 3; minus strand). Cytogenetic location: 2q36.3.
Variant type: Deletion.
Coding change: c.623_626del on transcript NM_025243.4 (MANE Select); coding-DNA positions 623 to 626, 4 bases deleted (AGAA; older notation c.623_626delAGAA).
Protein change: p.Lys208fs; shifts the reading frame from lysine 208.
Molecular consequence: frameshift variant.
Genome position (GRCh38, 1-based): chr2:227,699,089-227,699,092, TTCT deleted on the plus strand (AGAA on the coding strand, the reverse complement: SLC19A3 is on the minus strand); deleting any 4 consecutive bases within chr2:227,699,089-227,699,094 gives the same sequence; the c. name uses the placement nearest the transcript's 3' end. VCF-style (leftmost placement, unchanged base first): chr2-227699088-CTTCT-C. GRCh37 (hg19) VCF-style: chr2-228563804-CTTCT-C.
Other names: c.623_626del, p.Lys208fs (NM_001371411.1, NM_001371412.1); c.611_614del, p.Lys204fs (NM_001371413.1, NM_001371414.1); short protein forms K204fs, K208fs.
Identifiers: ClinVar variation 1899857 (VCV001899857.7), dbSNP rs2470573380, ClinGen allele CA2577266595.